The following is an entry in ClinVar:

NM_000093.5(COL5A1):c.2430+3A>G

Gene: COL5A1 (collagen type V alpha 1 chain; plus strand). Cytogenetic location: 9q34.3.
Variant type: single nucleotide variant.
Coding change: c.2430+3A>G on transcript NM_000093.5 (MANE Select); 3 bases into the intron after coding-DNA position 2430, A replaced by G.
Molecular consequence: intron variant.
Genome position (GRCh38, 1-based): chr9:134,780,149, A>G. VCF-style: chr9-134780149-A-G. GRCh37 (hg19) VCF-style: chr9-137671995-A-G.
Other names: c.2430+3A>G (NM_001278074.1).
Identifiers: ClinVar variation 4847703 (VCV004847703.1).

ClinVar aggregate classification (germline): Uncertain significance (1 of 4 stars; one submission).

gnomAD v4.1: 12 of 1,613,244 alleles (0.00074%); highest among the groups gnomAD compares: East Asian, 0.027%; no homozygotes.

Submission:

Women's Health and Genetics/Laboratory Corporation of America, LabCorp
Classification: Uncertain significance. Last evaluated: 2026-03-24. Review status: criteria provided, single submitter. Criteria: LabCorp Variant Classification Summary - May 2015. Collection method: clinical testing. Allele origin: germline.
Comment: Variant summary: COL5A1 c.2430+3A>G alters a conserved nucleotide located close to a canonical splice site and therefore could affect mRNA splicing, leading to a significantly altered protein sequence. Consensus agreement among computation tools predict no significant impact on normal splicing. However, these predictions have yet to be confirmed by functional studies. The variant allele was found at a frequency of 4e-06 in 250982 control chromosomes. The available data on variant occurrences in the general population are insufficient to allow any conclusion about variant significance. To our knowledge, no occurrence of c.2430+3A>G in individuals affected with COL5A1-related conditions and no experimental evidence demonstrating its impact on protein function have been reported. No submitters have cited clinical-significance assessments for this variant to ClinVar. Based on the evidence outlined above, the variant was classified as uncertain significance.